The following is an entry in ClinVar:

ClinVar aggregate classification (germline): Benign/Likely benign. Review status: criteria provided, multiple submitters, no conflicts (2 of 4 stars). 3 submissions from 3 submitters: Benign (1); Likely benign (2). Last evaluated 2026-05-01.

Allele frequency attached by ClinVar (database versions not stated): ESP Exome Variant Server 0.00031; 1000 Genomes Project 0.00060; TOPMed 0.00063; gnomAD 0.00070; ExAC 0.00072; 1000 Genomes Project 30x 0.00078.
gnomAD v4.1: 1,366 of 1,614,184 alleles (0.085%); highest among the groups gnomAD compares: Non-Finnish European, 0.11%; no homozygotes.

Submissions (3):

CeGaT Center for Human Genetics Tuebingen
Classification: Likely benign. Last evaluated: 2026-05-01. Review status: criteria provided, single submitter. Criteria: CeGaT Center For Human Genetics Tuebingen Variant Classification Criteria Version 2. Collection method: clinical testing. Allele origin: germline. Affected: yes. Observed: 3 variant alleles.
Comment: PDP1: BP4, BP7

Labcorp Genetics (formerly Invitae), Labcorp
Classification: Likely benign. Last evaluated: 2026-01-09. Review status: criteria provided, single submitter. Criteria: Invitae Variant Classification Sherloc (09022015). Collection method: clinical testing. Allele origin: germline.

GeneDx
Classification: Benign. Last evaluated: 2015-09-17. Review status: criteria provided, single submitter. Criteria: GeneDx Variant Classification (06012015). Collection method: clinical testing. Allele origin: germline. Affected: yes.
Comment: This variant is considered likely benign or benign based on one or more of the following criteria: it is a conservative change, it occurs at a poorly conserved position in the protein, it is predicted to be benign by multiple in silico algorithms, and/or has population frequency not consistent with disease.

NM_018444.4(PDP1):c.717C>G (p.Ala239=)

Gene: PDP1 (pyruvate dehydrogenase phosphatase catalytic subunit 1; plus strand). Cytogenetic location: 8q22.1.
Variant type: single nucleotide variant.
Coding change: c.717C>G on transcript NM_018444.4 (MANE Select); coding-DNA position 717, C replaced by G.
Protein change: p.Ala239=; no amino-acid change (alanine 239 retained).
Molecular consequence: synonymous variant.
Genome position (GRCh38, 1-based): chr8:93,922,776, C>G. VCF-style: chr8-93922776-C-G. GRCh37 (hg19) VCF-style: chr8-94935004-C-G.
Other names: c.792C>G, p.Ala264= (NM_001161779.2, NM_001161780.2); c.717C>G, p.Ala239= (NM_001161781.2).
Identifiers: ClinVar variation 363943 (VCV000363943.35), dbSNP rs150112501, ClinGen allele CA4808736.